The following is an entry in ClinVar:

NM_000088.4(COL1A1):c.3269A>G (p.Gln1090Arg)

Gene: COL1A1 (collagen type I alpha 1 chain; minus strand). Cytogenetic location: 17q21.33.
Variant type: single nucleotide variant.
Coding change: c.3269A>G on transcript NM_000088.4 (MANE Select); coding-DNA position 3269, A replaced by G.
Protein change: p.Gln1090Arg; replaces glutamine 1090 with arginine.
Molecular consequence: missense variant.
Genome position (GRCh38, 1-based): chr17:50,187,976, T>C on the plus strand (A>G on the coding strand, the complement: COL1A1 is on the minus strand). VCF-style: chr17-50187976-T-C. GRCh37 (hg19) VCF-style: chr17-48265337-T-C.
Other names: short protein forms Q1090R.
Identifiers: ClinVar variation 4685091 (VCV004685091.1).

ClinVar aggregate classification (germline): Uncertain significance (1 of 4 stars; one submission).

Submission:

GeneDx
Classification: Uncertain significance. Last evaluated: 2025-07-10. Review status: criteria provided, single submitter. Criteria: GeneDx Variant Classification Process June 2021. Collection method: clinical testing. Allele origin: germline. Affected: yes.
Comment: Not observed at significant frequency in large population cohorts (gnomAD); In silico analysis supports that this missense variant has a deleterious effect on protein structure/function; Has not been previously published as pathogenic or benign to our knowledge; Occurs in the triple helical domain at the Y position in the canonical Gly-X-Y repeat; although this variant may have an effect on normal protein folding and function, missense substitution at the Y position is not a common mechanism of disease (HGMD)